The following is an entry in ClinVar:

NM_001379500.1(COL18A1):c.3440G>A (p.Arg1147Gln)

Genes: COL18A1 (collagen type XVIII alpha 1 chain; plus strand), SLC19A1 (solute carrier family 19 member 1; minus strand). Cytogenetic location: 21q22.3.
Variant type: single nucleotide variant.
Coding change: c.3440G>A on transcript NM_001379500.1 (MANE Select); coding-DNA position 3440, G replaced by A.
Protein change: p.Arg1147Gln; replaces arginine 1147 with glutamine.
Molecular consequence: missense variant.
Genome position (GRCh38, 1-based): chr21:45,509,546, G>A. VCF-style: chr21-45509546-G-A. GRCh37 (hg19) VCF-style: chr21-46929460-G-A.
Other names: c.3971G>A, p.Arg1324Gln (NM_030582.4); c.4676G>A, p.Arg1559Gln (NM_130444.3); short protein forms R1559Q, R1147Q, R1324Q.
Identifiers: ClinVar variation 1445902 (VCV001445902.5), dbSNP rs762630499, ClinGen allele CA10067891.

ClinVar aggregate classification (germline): Uncertain significance (1 of 4 stars; one submission).

Allele frequency attached by ClinVar (database versions not stated): gnomAD 0.00003; gnomAD exomes 0.00003; TOPMed 0.00003; ExAC 0.00007.
gnomAD v4.1: 38 of 1,536,990 alleles (0.0025%); highest among the groups gnomAD compares: East Asian, 0.0073%; no homozygotes.

Submission:

Labcorp Genetics (formerly Invitae), Labcorp
Classification: Uncertain significance. Last evaluated: 2025-09-02. Review status: criteria provided, single submitter. Criteria: Invitae Variant Classification Sherloc (09022015). Collection method: clinical testing. Allele origin: germline.
Comment: This sequence change replaces arginine, which is basic and polar, with glutamine, which is neutral and polar, at codon 1144 of the COL18A1 protein (p.Arg1144Gln). This variant is present in population databases (rs762630499, gnomAD 0.008%). This variant has not been reported in the literature in individuals affected with COL18A1-related conditions. ClinVar contains an entry for this variant (Variation ID: 1445902). Experimental studies and prediction algorithms are not available or were not evaluated, and the functional significance of this variant is currently unknown. In summary, the available evidence is currently insufficient to determine the role of this variant in disease. Therefore, it has been classified as a Variant of Uncertain Significance.